The following is an entry in ClinVar:

ClinVar aggregate classification (germline): Likely benign. Review status: criteria provided, multiple submitters, no conflicts (2 of 4 stars). 2 submissions from 2 submitters: Likely benign (2). Last evaluated 2025-02-07.

Conditions:
OAT-related disorder. Also called: OAT-related condition.
Ornithine aminotransferase deficiency (GACR). Also called: OKT DEFICIENCY; Ornithine ketoacid aminotransferase deficiency; Gyrate atrophy; Gyrate atrophy of choroid and retina; Girate atrophy of the retina; HYPERORNITHINEMIA WITH GYRATE ATROPHY OF CHOROID AND RETINA. Identifiers: Orphanet 414, MedGen C0018425, MONDO:0009796, OMIM 258870.

Submissions (2):

PreventionGenetics, part of Exact Sciences
Classification: Likely benign for OAT-related condition. Last evaluated: 2025-02-07. Review status: criteria provided, single submitter. Criteria: ACMG Guidelines, 2015. Collection method: clinical testing. Allele origin: germline.
Comment: This variant is classified as likely benign based on ACMG/AMP sequence variant interpretation guidelines (Richards et al. 2015 PMID: 25741868, with internal and published modifications).

Labcorp Genetics (formerly Invitae), Labcorp
Classification: Likely benign for Ornithine aminotransferase deficiency. Last evaluated: 2023-05-02. Review status: criteria provided, single submitter. Criteria: Invitae Variant Classification Sherloc (09022015). Collection method: clinical testing. Allele origin: germline.

NM_000274.4(OAT):c.771+10T>C

Genes: OAT (ornithine aminotransferase; minus strand), LOC121815974 (Sharpr-MPRA regulatory region 15365; plus strand). Cytogenetic location: 10q26.13.
Variant type: single nucleotide variant.
Coding change: c.771+10T>C on transcript NM_000274.4 (MANE Select); 10 bases into the intron after coding-DNA position 771, T replaced by C.
Molecular consequence: intron variant.
Genome position (GRCh38, 1-based): chr10:124,403,788, A>G on the plus strand (T>C on the coding strand, the complement: OAT is on the minus strand). VCF-style: chr10-124403788-A-G. GRCh37 (hg19) VCF-style: chr10-126092357-A-G.
Other names: c.771+10T>C (NM_000274.3, NM_001322965.2, NM_001322969.2 and 4 more transcripts); c.357+10T>C (NM_001171814.2); c.171+10T>C (NM_001322974.2); c.450+10T>C (NM_001322971.2).
Identifiers: ClinVar variation 1570437 (VCV001570437.9), dbSNP rs2134459550, ClinGen allele CA2573145617.